The following is an entry in ClinVar:

NM_139215.3(TAF15):c.673+6G>C

Gene: TAF15 (TATA-box binding protein associated factor 15; plus strand). Cytogenetic location: 17q12.
Variant type: single nucleotide variant.
Coding change: c.673+6G>C on transcript NM_139215.3 (MANE Select); 6 bases into the intron after coding-DNA position 673, G replaced by C.
Molecular consequence: intron variant.
Genome position (GRCh38, 1-based): chr17:35,834,604, G>C. VCF-style: chr17-35834604-G-C. GRCh37 (hg19) VCF-style: chr17-34161608-G-C.
Other names: c.664+6G>C (NM_003487.4).
Identifiers: ClinVar variation 3048182 (VCV003048182.2), dbSNP rs368498080, ClinGen allele CA290035517.

ClinVar aggregate classification (germline): Likely benign (0 of 4 stars; one submission).

Conditions:
TAF15-related disorder. Also called: TAF15-related condition.

Allele frequency attached by ClinVar (database versions not stated): ExAC 0.00008; ESP Exome Variant Server 0.00015; TOPMed 0.00032; gnomAD 0.00035.

Submission:

PreventionGenetics, part of Exact Sciences
Classification: Likely benign for TAF15-related condition. Last evaluated: 2023-07-05. Review status: no assertion criteria provided. Collection method: clinical testing. Allele origin: germline.
Comment: This variant is classified as likely benign based on ACMG/AMP sequence variant interpretation guidelines (Richards et al. 2015 PMID: 25741868, with internal and published modifications).